The following is an entry in ClinVar:

ClinVar aggregate classification (germline): Benign/Likely benign. Review status: criteria provided, multiple submitters, no conflicts (2 of 4 stars). 6 submissions from 6 submitters: Benign (2); Likely benign (3). 1 of the submissions does not count toward it. Last evaluated 2026-01-19.

Conditions:
Dystrophin deficiency.
Becker muscular dystrophy (BMD). Also called: MUSCULAR DYSTROPHY, PSEUDOHYPERTROPHIC PROGRESSIVE, BECKER TYPE; Becker Muscular Dystrophy (BMD). Identifiers: Orphanet 98895, MedGen C0917713, MONDO:0010311, OMIM 300376.
Duchenne muscular dystrophy (DMD). Also called: MUSCULAR DYSTROPHY, PSEUDOHYPERTROPHIC PROGRESSIVE, DUCHENNE TYPE; Duchenne Muscular Dystrophy (DMD). Identifiers: Orphanet 98896, MedGen C0013264, MONDO:0010679, OMIM 310200.
Cardiomyopathy (CMYO). Also called: Cardiomyopathies. Identifiers: Orphanet 167848, MedGen C0878544, MONDO:0004994, HP:0001638. Inheritance: Various modes of inheritance.
Cardiovascular phenotype. Identifiers: MedGen CN230736.

Allele frequency attached by ClinVar (database versions not stated): gnomAD 0.00001 and 0.00005; TOPMed 0.00001; ExAC 0.00011; gnomAD exomes 0.00011; 1000 Genomes Project 30x 0.00021; 1000 Genomes Project 0.00026.
gnomAD v4.1: 53 of 1,208,880 alleles (0.0044%); highest among the groups gnomAD compares: South Asian, 0.065%; no homozygotes.

Submissions (6):

Labcorp Genetics (formerly Invitae), Labcorp
Classification: Benign for Duchenne muscular dystrophy. Last evaluated: 2026-01-19. Review status: criteria provided, single submitter. Criteria: Invitae Variant Classification Sherloc (09022015). Collection method: clinical testing. Allele origin: germline.

CeGaT Center for Human Genetics Tuebingen
Classification: Likely benign. Last evaluated: 2025-11-01. Review status: criteria provided, single submitter. Criteria: CeGaT Center For Human Genetics Tuebingen Variant Classification Criteria Version 2. Collection method: clinical testing. Allele origin: germline. Affected: yes. Observed: 1 variant allele.
Comment: DMD: BP4, BS2

Ambry Genetics
Classification: Likely benign for Cardiovascular phenotype. Last evaluated: 2023-01-03. Review status: criteria provided, single submitter. Criteria: Ambry Variant Classification Scheme 2023. Collection method: clinical testing. Allele origin: germline.

Laboratory for Molecular Medicine, Mass General Brigham Personalized Medicine
Classification: Likely benign. Last evaluated: 2019-09-24. Review status: criteria provided, single submitter. Criteria: LMM Criteria. Collection method: clinical testing. Allele origin: germline. Observed: 1 variant allele.
Comment: The p.Met2466Thr variant in DMD is classified as likely benign because it has been identified in 0.09% (17/19070) of South Asian chromosomes, including 9 hemizygotes, by gnomAD. Computational prediction tools and conservation analysis suggest that this variant may not impact the protein. ACMG/AMP Criteria applied: BS1, BP4.

Athena Diagnostics
Classification: Benign. Last evaluated: 2017-07-25. Review status: criteria provided, single submitter. Criteria: Athena Diagnostics Criteria. Collection method: clinical testing. Allele origin: germline.

Natera, Inc.
Classification: Likely benign for Becker muscular dystrophy; Cardiomyopathy; Duchenne muscular dystrophy; Dystrophin deficiency. Last evaluated: 2018-05-08. Review status: no assertion criteria provided. Collection method: clinical testing. Allele origin: germline. Not counted in ClinVar's aggregate classification.

NM_004006.3(DMD):c.7397T>C (p.Met2466Thr)

Gene: DMD (dystrophin; minus strand). Cytogenetic location: Xp21.1.
Variant type: single nucleotide variant.
Coding change: c.7397T>C on transcript NM_004006.3 (MANE Select); coding-DNA position 7397, T replaced by C.
Protein change: p.Met2466Thr; replaces methionine 2466 with threonine.
Molecular consequence: missense variant.
Genome position (GRCh38, 1-based): chrX:31,774,105, A>G on the plus strand (T>C on the coding strand, the complement: DMD is on the minus strand). VCF-style: chrX-31774105-A-G. GRCh37 (hg19) VCF-style: chrX-31792222-A-G.
Other names: c.7373T>C, p.Met2458Thr (NM_000109.4); c.7385T>C, p.Met2462Thr (NM_004009.3); c.7028T>C, p.Met2343Thr (NM_004010.3); c.3374T>C, p.Met1125Thr (NM_004011.4); c.3365T>C, p.Met1122Thr (NM_004012.4); c.17T>C, p.Met6Thr (NM_004013.3, NM_004020.4, NM_004021.3 and 2 more transcripts); short protein forms M2466T, M1125T, M2343T, M1122T, M2458T, M2462T, M6T.
Identifiers: ClinVar variation 228594 (VCV000228594.25), dbSNP rs764330616, ClinGen allele CA10378281.
Genomic context (GRCh38, chrX:31,774,105, plus strand): 5'-AGCCAGTCGGTAAGTTCTGTCCAAGCCCGGTTGAAATCTGCCAGAGCAGGTACCTCCAAC[A>G]TCAAGGAAGATGGCATTTCTAGTTTGGAGATGGCAGTTTCCTTAGTAACCACAGGTTGTG-3'
Protein context (NP_003997.2, residues 2456-2476): ISKLEMPSSL[Met2466Thr]LEVPALADFN